The following is an entry in ClinVar:

NM_000320.3(QDPR):c.609dup (p.Pro204fs)

Gene: QDPR (quinoid dihydropteridine reductase; minus strand). Cytogenetic location: 4p15.32.
Variant type: Duplication.
Coding change: c.609dup on transcript NM_000320.3 (MANE Select); coding-DNA position 609, one base duplicated (A; older notation c.609dupA).
Protein change: p.Pro204fs; shifts the reading frame from proline 204.
Molecular consequence: frameshift variant. On other transcripts: non-coding transcript variant (1).
Genome position (GRCh38, 1-based): chr4:17,490,682, T duplicated on the plus strand (A on the coding strand, the reverse complement: QDPR is on the minus strand). VCF-style (leftmost placement, unchanged base first): chr4-17490681-G-GT. GRCh37 (hg19) VCF-style: chr4-17492304-G-GT.
Other names: c.516dup, p.Pro173fs (NM_001306140.2); short protein forms P204fs, P173fs.
Identifiers: ClinVar variation 2734651 (VCV002734651.4), dbSNP rs769289876, ClinGen allele CA2868044.

ClinVar aggregate classification (germline): Pathogenic/Likely pathogenic. Review status: criteria provided, multiple submitters, no conflicts (2 of 4 stars). 2 submissions from 2 submitters: Pathogenic (1); Likely pathogenic (1). Last evaluated 2024-01-05.

Conditions:
Dihydropteridine reductase deficiency (HPABH4C). Also called: BH4-Deficient Hyperphenylalaninemia C; HYPERPHENYLALANINEMIA, TETRAHYDROBIOPTERIN-DEFICIENT, DUE TO DHPR DEFICIENCY; QDPR DEFICIENCY; QUINOID DIHYDROPTERIDINE REDUCTASE DEFICIENCY; Phenylketonuria II; Hyperphenylalaninemia due to dihydropteridine reductase deficiency. Identifiers: Orphanet 226, Orphanet 238583, MedGen C0268465, MONDO:0009862, OMIM 261630.

Allele frequency attached by ClinVar (database versions not stated): gnomAD exomes below 0.00001; TOPMed below 0.00001; ExAC 0.00001.

Submissions (2):

Fulgent Genetics
Classification: Likely pathogenic for Dihydropteridine reductase deficiency. Last evaluated: 2024-01-05. Review status: criteria provided, single submitter. Criteria: ACMG Guidelines, 2015. Collection method: clinical testing. Allele origin: germline.

Labcorp Genetics (formerly Invitae), Labcorp
Classification: Pathogenic for Dihydropteridine reductase deficiency. Last evaluated: 2024-01-04. Review status: criteria provided, single submitter. Criteria: Invitae Variant Classification Sherloc (09022015). Collection method: clinical testing. Allele origin: germline.
Comment: This sequence change creates a premature translational stop signal (p.Pro204Thrfs*7) in the QDPR gene. While this is not anticipated to result in nonsense mediated decay, it is expected to disrupt the last 41 amino acid(s) of the QDPR protein. This variant is present in population databases (rs769289876, gnomAD 0.002%). This premature translational stop signal has been observed in individual(s) with clinical features of biopterin-deficient hyperphenylalaninemia (PMID: 27243974). This variant disrupts a region of the QDPR protein in which other variant(s) (p.Arg221*) have been determined to be pathogenic (PMID: 8518287, 19099731, 27246466, 30109838). This suggests that this is a clinically significant region of the protein, and that variants that disrupt it are likely to be disease-causing. For these reasons, this variant has been classified as Pathogenic.

Literature cited by the submitters: PubMed 27243974 (cited by Labcorp Genetics (formerly Invitae), Labcorp); PubMed 8518287 (cited by Labcorp Genetics (formerly Invitae), Labcorp); PubMed 19099731 (cited by Labcorp Genetics (formerly Invitae), Labcorp); PubMed 27246466 (cited by Labcorp Genetics (formerly Invitae), Labcorp); PubMed 30109838 (cited by Labcorp Genetics (formerly Invitae), Labcorp).